The following is an entry in ClinVar:

ClinVar aggregate classification (germline): Uncertain significance. Review status: criteria provided, multiple submitters, no conflicts (2 of 4 stars). 2 submissions from 2 submitters: Uncertain significance (2). Last evaluated 2025-02-13.

Conditions:
Charcot-Marie-Tooth disease type 2. Also called: Charcot-Marie-Tooth type 2. Identifiers: Orphanet 64746, MedGen C0270914, MONDO:0018993.
MFN2-related disorder. Also called: MFN2-related condition; MFN2-related disorders.

Allele frequency attached by ClinVar (database versions not stated): gnomAD exomes below 0.00001; ExAC 0.00001; TOPMed 0.00002; gnomAD 0.00004.
gnomAD v4.1: 9 of 1,613,998 alleles (0.00056%); highest among the groups gnomAD compares: African/African-American, 0.011%; no homozygotes.

Submissions (2):

Labcorp Genetics (formerly Invitae), Labcorp
Classification: Uncertain significance for Charcot-Marie-Tooth disease type 2. Last evaluated: 2025-02-13. Review status: criteria provided, single submitter. Criteria: Invitae Variant Classification Sherloc (09022015). Collection method: clinical testing. Allele origin: germline.
Comment: This sequence change replaces glutamine, which is neutral and polar, with arginine, which is basic and polar, at codon 296 of the MFN2 protein (p.Gln296Arg). This variant is present in population databases (rs751685400, gnomAD 0.02%). This variant has not been reported in the literature in individuals affected with MFN2-related conditions. ClinVar contains an entry for this variant (Variation ID: 2171829). Invitae Evidence Modeling of protein sequence and biophysical properties (such as structural, functional, and spatial information, amino acid conservation, physicochemical variation, residue mobility, and thermodynamic stability) has been performed for this missense variant. However, the output from this modeling did not meet the statistical confidence thresholds required to predict the impact of this variant on MFN2 protein function. In summary, the available evidence is currently insufficient to determine the role of this variant in disease. Therefore, it has been classified as a Variant of Uncertain Significance.

PreventionGenetics, part of Exact Sciences
Classification: Uncertain significance for MFN2-related condition. Last evaluated: 2023-08-17. Review status: criteria provided, single submitter. Criteria: ACMG Guidelines, 2015. Collection method: clinical testing. Allele origin: germline.
Comment: The MFN2 c.887A>G variant is predicted to result in the amino acid substitution p.Gln296Arg. To our knowledge, this variant has not been reported in the literature. This variant is reported in 0.016% of alleles in individuals of African descent in gnomAD. At this time, the clinical significance of this variant is uncertain due to the absence of conclusive functional and genetic evidence.

NM_014874.4(MFN2):c.887A>G (p.Gln296Arg)

Gene: MFN2 (mitofusin 2; plus strand). Cytogenetic location: 1p36.22.
Variant type: single nucleotide variant.
Coding change: c.887A>G on transcript NM_014874.4 (MANE Select); coding-DNA position 887, A replaced by G.
Protein change: p.Gln296Arg; replaces glutamine 296 with arginine.
Molecular consequence: missense variant.
Genome position (GRCh38, 1-based): chr1:12,001,471, A>G. VCF-style: chr1-12001471-A-G. GRCh37 (hg19) VCF-style: chr1-12061528-A-G.
Other names: c.887A>G, p.Gln296Arg (NM_001127660.2); short protein forms Q296R.
Identifiers: ClinVar variation 2171829 (VCV002171829.5), dbSNP rs751685400, ClinGen allele CA598957.
Genomic context (GRCh38, chr1:12,001,471, plus strand): 5'-AGCACATGGAGCGTTGTACCAGCTTCCTGGTGGATGAGCTGGGCGTGGTGGATCGATCCC[A>G]GGCCGGGGACCGCATCTTCTTTGTGTCTGCTAAGGAGGTGCTCAACGCCAGGATTCAGAA-3'
Protein context (NP_055689.1, residues 286-306): VDELGVVDRS[Gln296Arg]AGDRIFFVSA